The following is an entry in ClinVar:

ClinVar aggregate classification (germline): Uncertain significance (1 of 4 stars; one submission).

Conditions:
Charcot-Marie-Tooth disease type 4. Also called: Charcot-Marie-Tooth, Type 4; Charcot-Marie-Tooth disease, type IV. Identifiers: Orphanet 64749, MedGen C4082197, MONDO:0018995.

gnomAD v4.1: 6 of 1,614,008 alleles (0.00037%); highest among the groups gnomAD compares: Admixed American, 0.01%; no homozygotes.

Submission:

Labcorp Genetics (formerly Invitae), Labcorp
Classification: Uncertain significance for Charcot-Marie-Tooth disease type 4. Last evaluated: 2020-12-03. Review status: criteria provided, single submitter. Criteria: Invitae Variant Classification Sherloc (09022015). Collection method: clinical testing. Allele origin: germline.
Comment: In summary, the available evidence is currently insufficient to determine the role of this variant in disease. Therefore, it has been classified as a Variant of Uncertain Significance. Algorithms developed to predict the effect of missense changes on protein structure and function are either unavailable or do not agree on the potential impact of this missense change (SIFT: "Deleterious"; PolyPhen-2: "Probably Damaging"; Align-GVGD: "Class C0"). This variant has not been reported in the literature in individuals with SBF2-related conditions. This variant is present in population databases (rs201249004, ExAC 0.04%). This sequence change replaces arginine with leucine at codon 1271 of the SBF2 protein (p.Arg1271Leu). The arginine residue is moderately conserved and there is a moderate physicochemical difference between arginine and leucine.

NM_030962.4(SBF2):c.3812G>T (p.Arg1271Leu)

Gene: SBF2 (SET binding factor 2; minus strand). Cytogenetic location: 11p15.4.
Variant type: single nucleotide variant.
Coding change: c.3812G>T on transcript NM_030962.4 (MANE Select); coding-DNA position 3812, G replaced by T.
Protein change: p.Arg1271Leu; replaces arginine 1271 with leucine.
Molecular consequence: missense variant.
Genome position (GRCh38, 1-based): chr11:9,817,006, C>A on the plus strand (G>T on the coding strand, the complement: SBF2 is on the minus strand). VCF-style: chr11-9817006-C-A. GRCh37 (hg19) VCF-style: chr11-9838553-C-A.
Other names: c.3908G>T, p.Arg1303Leu (NM_001386339.1); c.3683G>T, p.Arg1228Leu (NM_001386342.1); short protein forms R1228L, R1271L, R1303L.
Identifiers: ClinVar variation 1058584 (VCV001058584.7), dbSNP rs201249004, ClinGen allele CA5881130.